The following is an entry in ClinVar:

ClinVar aggregate classification (germline): Uncertain significance. Review status: criteria provided, multiple submitters, no conflicts (2 of 4 stars). 2 submissions from 2 submitters: Uncertain significance (2). Last evaluated 2025-01-06.

Conditions:
ANK3-related disorder. Also called: ANK3-related condition.
Inborn genetic diseases. Identifiers: MedGen C0950123, MeSH D030342.

Allele frequency attached by ClinVar (database versions not stated): gnomAD exomes 0.00001; ExAC 0.00002; gnomAD 0.00005; TOPMed 0.00008.
gnomAD v4.1: 15 of 1,613,892 alleles (0.00093%); highest among the groups gnomAD compares: Admixed American, 0.017%; no homozygotes.

Submissions (2):

PreventionGenetics, part of Exact Sciences
Classification: Uncertain significance for ANK3-related condition. Last evaluated: 2025-01-06. Review status: criteria provided, single submitter. Criteria: ACMG Guidelines, 2015. Collection method: clinical testing. Allele origin: germline.
Comment: The ANK3 c.6779G>A variant is predicted to result in the amino acid substitution p.Gly2260Asp. To our knowledge, this variant has not been reported in the literature. This variant is reported in 0.0057% of alleles in individuals of Latino descent in gnomAD. At this time, the clinical significance of this variant is uncertain due to the absence of conclusive functional and genetic evidence.

Ambry Genetics
Classification: Uncertain significance for Inborn genetic diseases. Last evaluated: 2023-12-11. Review status: criteria provided, single submitter. Criteria: Ambry Variant Classification Scheme 2023. Collection method: clinical testing. Allele origin: germline.

NM_020987.5(ANK3):c.6779G>A (p.Gly2260Asp)

Genes: ANK3 (ankyrin 3; minus strand), LOC130003862 (ATAC-STARR-seq lymphoblastoid active region 3393; plus strand). Cytogenetic location: 10q21.2.
Variant type: single nucleotide variant.
Coding change: c.6779G>A on transcript NM_020987.5 (MANE Select); coding-DNA position 6779, G replaced by A.
Protein change: p.Gly2260Asp; replaces glycine 2260 with aspartic acid.
Molecular consequence: missense variant. On other transcripts: intron variant (4).
Genome position (GRCh38, 1-based): chr10:60,074,102, C>T on the plus strand (G>A on the coding strand, the complement: ANK3 is on the minus strand). VCF-style: chr10-60074102-C-T. GRCh37 (hg19) VCF-style: chr10-61833860-C-T.
Other names: c.4388-6093G>A (NM_001204403.2); c.4409-6093G>A (NM_001204404.2); c.4406-6093G>A (NM_001320874.2); c.1808-6093G>A (NM_001149.4); c.6779G>A (NM_020987.4); short protein forms G2260D.
Identifiers: ClinVar variation 3119987 (VCV003119987.2), dbSNP rs776518174, ClinGen allele CA5511813.
Genomic context (GRCh38, chr10:60,074,102, plus strand): 5'-AAGGCCTTCATGATGTCATGGACTGACATGGTTTCTTCAATTCTTTCAGATGCACCTTCA[C>T]CGCCTGGTGGAGAATGATAAACCATTCTGGTGGTTGTGGTTATGTGAGTCTCTTCTTTAA-3'
Protein context (NP_066267.2, residues 2250-2270): TRMVYHSPPG[Gly2260Asp]EGASERIEET